The following is an entry in ClinVar:

NM_000458.4(HNF1B):c.840del (p.Ser281fs)

Gene: HNF1B (HNF1 homeobox B; minus strand). Cytogenetic location: 17q12.
Variant type: Deletion.
Coding change: c.840del on transcript NM_000458.4 (MANE Select); coding-DNA position 840, one base deleted (C; older notation c.840delC).
Protein change: p.Ser281fs; shifts the reading frame from serine 281.
Molecular consequence: frameshift variant.
Genome position (GRCh38, 1-based): chr17:37,731,800, G deleted on the plus strand (C on the coding strand, the reverse complement: HNF1B is on the minus strand); the first of 5 consecutive G bases (chr17:37,731,800-37,731,804); deleting any one gives the same sequence. VCF-style (leftmost placement, unchanged base first): chr17-37731799-AG-A. GRCh37 (hg19) VCF-style: chr17-36091790-AG-A.
Other names: c.762del, p.Ser255fs (NM_001165923.4, NM_001304286.2); short protein forms S255fs, S281fs.
Identifiers: ClinVar variation 635638 (VCV000635638.2), dbSNP rs1598841082, ClinGen allele CA913190775.

ClinVar aggregate classification (germline): Pathogenic. Review status: criteria provided, multiple submitters, no conflicts (2 of 4 stars). 2 submissions from 2 submitters: Pathogenic (2). Last evaluated 2022-09-01.

Conditions:
Renal cysts and diabetes syndrome (RCAD). Also called: Familial hypoplastic, glomerulocystic kidney; MATURITY-ONSET DIABETES OF THE YOUNG, TYPE 5. Identifiers: Orphanet 93111, MedGen C0431693, MONDO:0007669, OMIM 137920.

Submissions (2):

3billion
Classification: Pathogenic for Renal cysts and diabetes syndrome. Last evaluated: 2022-09-01. Review status: criteria provided, single submitter. Criteria: ACMG Guidelines, 2015. Collection method: clinical testing. Allele origin: germline. Affected: yes. Observed: 1 heterozygote.
Comment: The variant is not observed in the gnomAD v2.1.1 dataset. Frameshift variant is predicted to result in a loss or disruption of normal protein function through nonsense-mediated decay (NMD) or protein truncation. Multiple pathogenic variants are reported downstream of the variant. The variant has been reported to be associated with HNF1B-related disorder (ClinVar ID: VCV000635638 / PMID: 20378641). Therefore, this variant is classified as Pathogenic according to the recommendation of ACMG/AMP guideline.

Institute of Human Genetics, FAU Erlangen, Friedrich-Alexander-Universität Erlangen-Nürnberg
Classification: Pathogenic for Renal cysts and diabetes syndrome. Last evaluated: 2019-07-06. Review status: criteria provided, single submitter. Criteria: ACMG Guidelines, 2015. Collection method: literature only. Allele origin: germline. Affected: yes.
Comment: This variant and it's classification has been reported by Vasileiou et al. 2019; DOI:10.1101/576918. The variants has previously been reported in PMID:20378641; PMID:25700310; PMID:20378641; PMID:23539225; PMID:27297286; PMID:25536396 as "c.840delC,p.Pro280fs; c.840delC; c.840del, p.Ser281Profs*46 Exon 4 frameshift; c.840delC" with clinical significance Pathogenic. It has been re-classified using InterVar and manual curation as Pathogenic based on PVS1 PM2 PP3.

Literature cited by the submitters: PubMed 20378641 (cited by 3billion and Institute of Human Genetics, FAU Erlangen, Friedrich-Alexander-Universität Erlangen-Nürnberg); PubMed 25700310 (cited by Institute of Human Genetics, FAU Erlangen, Friedrich-Alexander-Universität Erlangen-Nürnberg); PubMed 23539225 (cited by Institute of Human Genetics, FAU Erlangen, Friedrich-Alexander-Universität Erlangen-Nürnberg); PubMed 27297286 (cited by Institute of Human Genetics, FAU Erlangen, Friedrich-Alexander-Universität Erlangen-Nürnberg); PubMed 25536396 (cited by Institute of Human Genetics, FAU Erlangen, Friedrich-Alexander-Universität Erlangen-Nürnberg); DOI 10.1101/576918 (cited by Institute of Human Genetics, FAU Erlangen, Friedrich-Alexander-Universität Erlangen-Nürnberg).